The following is an entry in ClinVar:

ClinVar aggregate classification (germline): Uncertain significance. Review status: criteria provided, single submitter (1 of 4 stars). 2 submissions from 2 submitters: Uncertain significance (1). 1 of the submissions does not count toward it. Last evaluated 2018-10-09.

Conditions:
Rhizomelic chondrodysplasia punctata type 3 (RCDP3). Also called: Alkylglycerone Phosphate Synthase (AGPS) deficiency; ALKYLDIHYDROXYACETONEPHOSPHATE SYNTHASE DEFICIENCY. Identifiers: Orphanet 177, Orphanet 309803, MedGen C1838612, MONDO:0010823, OMIM 600121. Disease mechanism: loss of function.

Allele frequency attached by ClinVar (database versions not stated): gnomAD exomes below 0.00001 and 0.00001; gnomAD 0.00001 and 0.00002; TOPMed 0.00002.
gnomAD v4.1: 12 of 1,604,932 alleles (0.00075%); highest among the groups gnomAD compares: Middle Eastern, 0.017%; no homozygotes.

Submissions (2):

ARUP Laboratories, Molecular Genetics and Genomics, ARUP Laboratories
Classification: Uncertain significance for Rhizomelic chondrodysplasia punctata type 3. Last evaluated: 2018-10-09. Review status: criteria provided, single submitter. Criteria: ARUP Molecular Germline Variant Investigation Process. Collection method: clinical testing. Allele origin: germline.
Comment: The AGPS c.1135A>G; p.Ile379Val variant (rs867493363), to our knowledge, is not described in the medical literature or in gene-specific databases, and is found on only 1 allele in the Genome Aggregation Database. The isoleucine at codon 379 is moderately conserved, and computational algorithms (PolyPhen-2, SIFT) predict that this variant is tolerated. However, due to the lack of clinical and functional data regarding this variant, its clinical significance cannot be determined with certainty.

Natera, Inc.
Classification: Uncertain significance for Rhizomelic chondrodysplasia punctata, type 3. Last evaluated: 2021-02-08. Review status: no assertion criteria provided. Collection method: clinical testing. Allele origin: germline. Not counted in ClinVar's aggregate classification.

NM_003659.4(AGPS):c.1135A>G (p.Ile379Val)

Gene: AGPS (alkylglycerone phosphate synthase; plus strand). Cytogenetic location: 2q31.2.
Variant type: single nucleotide variant.
Coding change: c.1135A>G on transcript NM_003659.4 (MANE Select); coding-DNA position 1135, A replaced by G.
Protein change: p.Ile379Val; replaces isoleucine 379 with valine.
Molecular consequence: missense variant.
Genome position (GRCh38, 1-based): chr2:177,482,088, A>G. VCF-style: chr2-177482088-A-G. GRCh37 (hg19) VCF-style: chr2-178346816-A-G.
Other names: short protein forms I379V.
Identifiers: ClinVar variation 811158 (VCV000811158.11), dbSNP rs867493363, ClinGen allele CA60900286.